The following is an entry in ClinVar:

NM_001080467.3(MYO5B):c.1202G>A (p.Arg401His)

Gene: MYO5B (myosin VB; minus strand). Cytogenetic location: 18q21.1.
Variant type: single nucleotide variant.
Coding change: c.1202G>A on transcript NM_001080467.3 (MANE Select); coding-DNA position 1202, G replaced by A.
Protein change: p.Arg401His; replaces arginine 401 with histidine.
Molecular consequence: missense variant.
Genome position (GRCh38, 1-based): chr18:49,974,470, C>T on the plus strand (G>A on the coding strand, the complement: MYO5B is on the minus strand). VCF-style: chr18-49974470-C-T. GRCh37 (hg19) VCF-style: chr18-47500840-C-T.
Other names: short protein forms R401H.
Identifiers: ClinVar variation 432010 (VCV000432010.5), dbSNP rs1555648414, ClinGen allele CA402432721.

ClinVar aggregate classification (germline): Likely pathogenic. Review status: criteria provided, multiple submitters, no conflicts (2 of 4 stars). 3 submissions from 3 submitters: Likely pathogenic (2). 1 of the submissions does not count toward it. Last evaluated 2026-04-24.

Conditions:
MYO5B-related disorder. Also called: MYO5B-related condition.
Congenital microvillous atrophy (DIAR2). Also called: CONGENITAL FAMILIAL PROTRACTED DIARRHEA WITH ENTEROCYTE BRUSH-BORDER ABNORMALITIES; DAVIDSON DISEASE; Microvillus inclusion disease; Diarrhea 2 with microvillus atrophy, with or without cholestasis; MICROVILLUS ATROPHY, CONGENITAL. Identifiers: Orphanet 2290, MedGen C0341306, MONDO:0009635, OMIM 251850.

Allele frequency attached by ClinVar (database versions not stated): TOPMed below 0.00001; gnomAD 0.00001.
gnomAD v4.1: 12 of 1,614,032 alleles (0.00074%); highest among the groups gnomAD compares: African/African-American, 0.0013%; no homozygotes.

Submissions (3):

PreventionGenetics, part of Exact Sciences
Classification: Likely pathogenic for MYO5B-related condition. Last evaluated: 2026-04-24. Review status: criteria provided, single submitter. Criteria: ACMG Guidelines, 2015. Collection method: clinical testing. Allele origin: germline.
Comment: The MYO5B c.1202G>A variant is predicted to result in the amino acid substitution p.Arg401His. This variant has been reported in multiple individuals with microvillus inclusion disease (Table 1, Ruemmele et al 2010. PubMed ID: 20186687). This variant has not been reported in a large population database (gnomAD), indicating this variant is rare. This variant is interpreted as likely pathogenic.

GeneDx
Classification: Likely pathogenic. Last evaluated: 2016-04-18. Review status: criteria provided, single submitter. Criteria: GeneDx Variant Classification (06012015). Collection method: clinical testing. Allele origin: germline. Affected: yes.
Comment: The R401H variant in the MYO5B gene has been reported previously in two unrelated children with microvillus inclusion disease, one of whom was homozygous for R401H and the other was heterozygous for R401H and a second variant (phase unknown) (Ruemmele et al., 2010). The R401H variant was not observed in approximately 6500 individuals of European and African American ancestry in the NHLBI Exome Sequencing Project, indicating it is not a common benign variant in these populations. The R401H variant is a conservative amino acid substitution, which is not likely to impact secondary protein structure as these residues share similar properties. This substitution occurs in the myosin motor domain at a position that is conserved across species. In silico analysis predicts this variant is probably damaging to the protein structure/function. Therefore, the R401H variant is a strong candidate for a pathogenic variant

OMIM
Classification: Pathogenic for DIARRHEA 2, WITH MICROVILLUS ATROPHY. Last evaluated: 2022-05-20. Review status: no assertion criteria provided. Collection method: literature only. Allele origin: germline. Not counted in ClinVar's aggregate classification.

Literature cited by the submitters: PubMed 20186687 (cited by OMIM).